The following is an entry in ClinVar:

ClinVar aggregate classification (germline): Benign/Likely benign. Review status: criteria provided, multiple submitters, no conflicts (2 of 4 stars). 3 submissions from 3 submitters: Benign (1); Likely benign (2). Last evaluated 2024-10-31.

Conditions:
Prostate cancer, hereditary, 9 (HPC9). Identifiers: Orphanet 1331, MedGen C1970250, MONDO:0012597, OMIM 610997.
Hereditary cancer-predisposing syndrome. Also called: Hereditary neoplastic syndrome; Hereditary Cancer Syndrome; Tumor predisposition; Neoplastic Syndromes, Hereditary. Identifiers: Orphanet 140162, MedGen C0027672, MeSH D009386, MONDO:0015356.

Allele frequency attached by ClinVar (database versions not stated): gnomAD exomes below 0.00001 and 0.00001.
gnomAD v4.1: 9 of 1,614,154 alleles (0.00056%); highest among the groups gnomAD compares: Non-Finnish European, 0.00076%; no homozygotes.

Submissions (3):

Myriad Genetics, Inc.
Classification: Benign for Prostate cancer, hereditary, 9. Last evaluated: 2024-10-31. Review status: criteria provided, single submitter. Criteria: Myriad Autosomal Dominant, Autosomal Recessive and X-Linked Classification Criteria (2023). Collection method: clinical testing. Allele origin: unknown.
Comment: This variant is considered benign. This variant is a silent/synonymous amino acid change and it is not expected to impact splicing.

Labcorp Genetics (formerly Invitae), Labcorp
Classification: Likely benign. Last evaluated: 2024-08-13. Review status: criteria provided, single submitter. Criteria: Invitae Variant Classification Sherloc (09022015). Collection method: clinical testing. Allele origin: germline.

Ambry Genetics
Classification: Likely benign for Hereditary cancer-predisposing syndrome. Last evaluated: 2021-07-27. Review status: criteria provided, single submitter. Criteria: Ambry Variant Classification Scheme 2023. Collection method: clinical testing. Allele origin: germline.

NM_006361.6(HOXB13):c.801C>T (p.Arg267=)

Gene: HOXB13 (homeobox B13; minus strand). Cytogenetic location: 17q21.32.
Variant type: single nucleotide variant.
Coding change: c.801C>T on transcript NM_006361.6 (MANE Select); coding-DNA position 801, C replaced by T.
Protein change: p.Arg267=; no amino-acid change (arginine 267 retained).
Molecular consequence: synonymous variant.
Genome position (GRCh38, 1-based): chr17:48,726,844, G>A on the plus strand (C>T on the coding strand, the complement: HOXB13 is on the minus strand). VCF-style: chr17-48726844-G-A. GRCh37 (hg19) VCF-style: chr17-46804206-G-A.
Identifiers: ClinVar variation 1153361 (VCV001153361.12), dbSNP rs1358131965, ClinGen allele CA500499238.